The following is an entry in ClinVar:

NC_000015.10:g.48495534_48495537delinsTTTATT

Gene: FBN1 (fibrillin 1; minus strand). Cytogenetic location: 15q21.1.
Variant type: Indel.
Genome position: GRCh38 VCF-style: chr15-48495534-GGGC-TTTATT. GRCh37 (hg19) VCF-style: chr15-48787731-GGGC-TTTATT.
Other names: c.2471_2474delinsAATAAA, p.Ser824_Pro825delinsLysTer (LRG_778t1).
Identifiers: ClinVar variation 580859 (VCV000580859.5), dbSNP rs1566911724, ClinGen allele CA891844026.

ClinVar aggregate classification (germline): Pathogenic (1 of 4 stars; one submission).

Conditions:
Familial thoracic aortic aneurysm and aortic dissection (TAAD). Also called: Thoracic aortic aneurysms and dissections. Identifiers: Orphanet 91387, MedGen C4707243, MONDO:0019625.
Marfan syndrome (MFS). Also called: FBN1-Related Marfan Syndrome; Marfan syndrome type 1; Marfan's syndrome; Marfan syndrome, classic; MARFAN SYNDROME, TYPE I. Identifiers: Orphanet 284963, Orphanet 558, MedGen C0024796, MONDO:0007947, OMIM 154700.

Submission:

Labcorp Genetics (formerly Invitae), Labcorp
Classification: Pathogenic for Marfan syndrome; Familial thoracic aortic aneurysm and aortic dissection. Last evaluated: 2018-06-15. Review status: criteria provided, single submitter. Criteria: Invitae Variant Classification Sherloc (09022015). Collection method: clinical testing. Allele origin: germline.
Comment: For these reasons, this variant has been classified as Pathogenic. Loss-of-function variants in FBN1 are known to be pathogenic (PMID: 17657824, 19293843). This variant has not been reported in the literature in individuals with FBN1-related disease. This variant is not present in population databases (ExAC no frequency). This sequence change creates a premature translational stop signal (p.Ser824Lysfs*2) in the FBN1 gene. It is expected to result in an absent or disrupted protein product.

Literature cited by the submitters: PubMed 17657824; PubMed 19293843.